The following is an entry in ClinVar:

NM_000143.4(FH):c.769T>C (p.Tyr257His)

Gene: FH (fumarate hydratase; minus strand). Cytogenetic location: 1q43.
Variant type: single nucleotide variant.
Coding change: c.769T>C on transcript NM_000143.4 (MANE Select); coding-DNA position 769, T replaced by C.
Protein change: p.Tyr257His; replaces tyrosine 257 with histidine.
Molecular consequence: missense variant.
Genome position (GRCh38, 1-based): chr1:241,506,138, A>G on the plus strand (T>C on the coding strand, the complement: FH is on the minus strand). VCF-style: chr1-241506138-A-G. GRCh37 (hg19) VCF-style: chr1-241669438-A-G.
Other names: short protein forms Y257H.
Identifiers: ClinVar variation 3691002 (VCV003691002.3).
Genomic context (GRCh38, chr1:241,506,138, plus strand): 5'-TGCCTCCAGCTGCGAGCTCATAGATTCTTGGCATGGCAGCTTTTATTCTTGTCATTGCAT[A>G]TTTTACTTGTTGAACATAACCACTAAATTCCTGAAAAGAAAAGAAAATTAAGGTAAGAAT-3'
Protein context (NP_000134.2, residues 247-267): EFSGYVQQVK[Tyr257His]AMTRIKAAMP

ClinVar aggregate classification (germline): Uncertain significance. Review status: criteria provided, multiple submitters, no conflicts (2 of 4 stars). 2 submissions from 2 submitters: Uncertain significance (2). Last evaluated 2026-08-18.

Conditions:
Hereditary cancer-predisposing syndrome. Also called: Tumor predisposition; Hereditary neoplastic syndrome; Hereditary Cancer Syndrome; Neoplastic Syndromes, Hereditary. Identifiers: Orphanet 140162, MedGen C0027672, MeSH D009386, MONDO:0015356.

Submissions (2):

Ambry Genetics
Classification: Uncertain significance for Hereditary cancer-predisposing syndrome. Last evaluated: 2026-08-18. Review status: criteria provided, single submitter. Criteria: Ambry Variant Classification Scheme 2023. Collection method: clinical testing. Allele origin: germline.
Comment: The p.Y257H variant (also known as c.769T>C), located in coding exon 6 of the FH gene, results from a T to C substitution at nucleotide position 769. The tyrosine at codon 257 is replaced by histidine, an amino acid with similar properties. This amino acid position is highly conserved in available vertebrate species. In addition, this alteration is predicted to be deleterious by in silico analysis. Based on the available evidence, the clinical significance of this variant remains unclear.

Labcorp Genetics (formerly Invitae), Labcorp
Classification: Uncertain significance. Last evaluated: 2024-06-21. Review status: criteria provided, single submitter. Criteria: Invitae Variant Classification Sherloc (09022015). Collection method: clinical testing. Allele origin: germline.
Comment: This sequence change replaces tyrosine, which is neutral and polar, with histidine, which is basic and polar, at codon 257 of the FH protein (p.Tyr257His). This variant is not present in population databases (gnomAD no frequency). This variant has not been reported in the literature in individuals affected with FH-related conditions. Advanced modeling of protein sequence and biophysical properties (such as structural, functional, and spatial information, amino acid conservation, physicochemical variation, residue mobility, and thermodynamic stability) performed at Invitae indicates that this missense variant is not expected to disrupt FH protein function with a negative predictive value of 80%. In summary, the available evidence is currently insufficient to determine the role of this variant in disease. Therefore, it has been classified as a Variant of Uncertain Significance.